The following is an entry in ClinVar:

NM_003907.3(EIF2B5):c.1129del (p.Ser377fs)

Gene: EIF2B5 (eukaryotic translation initiation factor 2B subunit epsilon; plus strand). Cytogenetic location: 3q27.1.
Variant type: Deletion.
Coding change: c.1129del on transcript NM_003907.3 (MANE Select); coding-DNA position 1129, one base deleted (A; older notation c.1129delA).
Protein change: p.Ser377fs; shifts the reading frame from serine 377.
Molecular consequence: frameshift variant.
Genome position (GRCh38, 1-based): chr3:184,140,703, A deleted. VCF-style (leftmost placement, unchanged base first): chr3-184140702-CA-C. GRCh37 (hg19) VCF-style: chr3-183858490-CA-C.
Other names: short protein forms S377fs.
Identifiers: ClinVar variation 1453942 (VCV001453942.6), dbSNP rs2109009235, ClinGen allele CA2573136808.
Genomic context (GRCh38, chr3:184,140,702, plus strand): 5'-AGAGGAAAATGTGCTCCTGGGCTCTGGCACTGTCATTGGCAGCAATTGCTTTATCACCAA[CA>C]GTGTCATTGGCCCCGGCTGCCACATTGGTGAGCACAGGTGGGGAATCAAGCCAACTATCC-3'

ClinVar aggregate classification (germline): Pathogenic (1 of 4 stars; one submission).

Submission:

Labcorp Genetics (formerly Invitae), Labcorp
Classification: Pathogenic. Last evaluated: 2024-12-02. Review status: criteria provided, single submitter. Criteria: Invitae Variant Classification Sherloc (09022015). Collection method: clinical testing. Allele origin: germline.
Comment: This sequence change creates a premature translational stop signal (p.Ser377Valfs*47) in the EIF2B5 gene. It is expected to result in an absent or disrupted protein product. Loss-of-function variants in EIF2B5 are known to be pathogenic (PMID: 11704758, 15060152, 21307862). This variant is not present in population databases (gnomAD no frequency). This variant has not been reported in the literature in individuals affected with EIF2B5-related conditions. ClinVar contains an entry for this variant (Variation ID: 1453942). For these reasons, this variant has been classified as Pathogenic.

Literature cited by the submitters: PubMed 11704758; PubMed 15060152; PubMed 21307862.